The following is an entry in ClinVar:

NM_139319.3(SLC17A8):c.842A>G (p.Asn281Ser)

Gene: SLC17A8 (solute carrier family 17 member 8; plus strand). Cytogenetic location: 12q23.1.
Variant type: single nucleotide variant.
Coding change: c.842A>G on transcript NM_139319.3 (MANE Select); coding-DNA position 842, A replaced by G.
Protein change: p.Asn281Ser; replaces asparagine 281 with serine.
Molecular consequence: missense variant.
Genome position (GRCh38, 1-based): chr12:100,402,418, A>G. VCF-style: chr12-100402418-A-G. GRCh37 (hg19) VCF-style: chr12-100796196-A-G.
Other names: c.842A>G, p.Asn281Ser (NM_001145288.2); short protein forms N281S.
Identifiers: ClinVar variation 1305633 (VCV001305633.2), dbSNP rs1952797971, ClinGen allele CA386218853.
Genomic context (GRCh38, chr12:100,402,418, plus strand): 5'-GGTACATGTTTTGGCTGTTGCAGGCCTATGAGTGCCCAGCAGCTCATCCAACAATATCCA[A>G]TGAGGAGAAGACCTATATAGAGACAAGCATAGGAGAGGGGGCCAACGTGGTTAGTCTAAG-3'
Protein context (NP_647480.1, residues 271-291): ECPAAHPTIS[Asn281Ser]EEKTYIETSI

ClinVar aggregate classification (germline): Uncertain significance (1 of 4 stars; one submission).

Allele frequency attached by ClinVar (database versions not stated): gnomAD exomes below 0.00001; TOPMed below 0.00001.
gnomAD v4.1: 1 of 1,614,168 alleles (0.000062%); highest among the groups gnomAD compares: Admixed American, 0.0017%; no homozygotes.

Submission:

GeneDx
Classification: Uncertain significance. Last evaluated: 2019-05-02. Review status: criteria provided, single submitter. Criteria: GeneDx Variant Classification Process June 2021. Collection method: clinical testing. Allele origin: germline. Affected: yes.
Comment: Not observed in large population cohorts (Lek et al., 2016); In silico analysis, which includes protein predictors and evolutionary conservation, supports that this variant does not alter protein structure/function; Has not been previously published as pathogenic or benign to our knowledge